The following is an entry in ClinVar:

ClinVar aggregate classification (germline): Uncertain significance (1 of 4 stars; one submission).

Conditions:
Jeune thoracic dystrophy. Also called: Short-rib thoracic dysplasia; Jeune syndrome; Infantile thoracic dystrophy; Thoracic pelvic phalangeal dystrophy; Jeune's syndrome; Chondroectodermal dysplasia-like syndrome. Identifiers: Orphanet 474, MedGen C0265275, MONDO:0018770.
Nephronophthisis. Also called: Juvenile Nephronophthisis. Identifiers: Orphanet 655, MedGen C0687120, MONDO:0019005, HP:0000090.

Submission:

Labcorp Genetics (formerly Invitae), Labcorp
Classification: Uncertain significance for Jeune thoracic dystrophy; Nephronophthisis. Last evaluated: 2022-11-08. Review status: criteria provided, single submitter. Criteria: Invitae Variant Classification Sherloc (09022015). Collection method: clinical testing. Allele origin: germline.
Comment: This variant is not present in population databases (gnomAD no frequency). This sequence change replaces alanine, which is neutral and non-polar, with aspartic acid, which is acidic and polar, at codon 533 of the TTC21B protein (p.Ala533Asp). This variant has not been reported in the literature in individuals affected with TTC21B-related conditions. In summary, the available evidence is currently insufficient to determine the role of this variant in disease. Therefore, it has been classified as a Variant of Uncertain Significance. Advanced modeling of protein sequence and biophysical properties (such as structural, functional, and spatial information, amino acid conservation, physicochemical variation, residue mobility, and thermodynamic stability) has been performed at Invitae for this missense variant, however the output from this modeling did not meet the statistical confidence thresholds required to predict the impact of this variant on TTC21B protein function.

NM_024753.5(TTC21B):c.1598C>A (p.Ala533Asp)

Gene: TTC21B (tetratricopeptide repeat domain 21B; minus strand). Cytogenetic location: 2q24.3.
Variant type: single nucleotide variant.
Coding change: c.1598C>A on transcript NM_024753.5 (MANE Select); coding-DNA position 1598, C replaced by A.
Protein change: p.Ala533Asp; replaces alanine 533 with aspartic acid.
Molecular consequence: missense variant.
Genome position (GRCh38, 1-based): chr2:165,919,352, G>T on the plus strand (C>A on the coding strand, the complement: TTC21B is on the minus strand). VCF-style: chr2-165919352-G-T. GRCh37 (hg19) VCF-style: chr2-166775862-G-T.
Other names: short protein forms A533D.
Identifiers: ClinVar variation 2130338 (VCV002130338.4), dbSNP rs1053147960, ClinGen allele CA349060969.